The following is an entry in ClinVar:

ClinVar aggregate classification (germline): Conflicting classifications of pathogenicity. Review status: criteria provided, conflicting classifications (1 of 4 stars). 3 submissions from 3 submitters: Uncertain significance (2); Likely benign (1). Last evaluated 2025-10-02.

Conditions:
Emery-Dreifuss muscular dystrophy 4, autosomal dominant (EDMD4). Also called: EMERY-DREIFUSS MUSCULAR DYSTROPHY 4 WITH VARIABLE FEATURES. Identifiers: Orphanet 261, MedGen C2751807, MONDO:0013071, OMIM 612998.
Autosomal recessive ataxia, Beauce type. Also called: SYNE1 Deficiency; Spinocerebellar ataxia, autosomal recessive 8; ATAXIA, RECESSIVE, OF BEAUCE; SYNE1-Related Autosomal Recessive Cerebellar Ataxia. Identifiers: Orphanet 88644, MedGen C1853116, MONDO:0012549, OMIM 610743.

Allele frequency attached by ClinVar (database versions not stated): TOPMed 0.00002; ESP Exome Variant Server 0.00008; gnomAD 0.00009; gnomAD exomes 0.00010 and 0.00021; ExAC 0.00035.
gnomAD v4.1: 172 of 1,613,626 alleles (0.011%); highest among the groups gnomAD compares: Non-Finnish European, 0.0096%; 1 homozygote.

Submissions (3):

Labcorp Genetics (formerly Invitae), Labcorp
Classification: Uncertain significance for Emery-Dreifuss muscular dystrophy 4, autosomal dominant; Autosomal recessive ataxia, Beauce type. Last evaluated: 2025-10-02. Review status: criteria provided, single submitter. Criteria: Invitae Variant Classification Sherloc (09022015). Collection method: clinical testing. Allele origin: germline.
Comment: This sequence change falls in intron 137 of the SYNE1 gene. It does not directly change the encoded amino acid sequence of the SYNE1 protein. It affects a nucleotide within the consensus splice site. This variant is present in population databases (rs370143116, gnomAD 0.05%). This variant has not been reported in the literature in individuals affected with SYNE1-related conditions. ClinVar contains an entry for this variant (Variation ID: 514025). Variants that disrupt the consensus splice site are a relatively common cause of aberrant splicing (PMID: 17576681, 9536098). Algorithms developed to predict the effect of sequence changes on RNA splicing suggest that this variant is not likely to affect RNA splicing. In summary, the available evidence is currently insufficient to determine the role of this variant in disease. Therefore, it has been classified as a Variant of Uncertain Significance.

Revvity Omics, Revvity
Classification: Uncertain significance. Last evaluated: 2023-05-23. Review status: criteria provided, single submitter. Criteria: ACMG Guidelines, 2015. Collection method: clinical testing. Allele origin: germline.

GeneDx
Classification: Likely benign. Last evaluated: 2017-12-14. Review status: criteria provided, single submitter. Criteria: GeneDx Variant Classification (06012015). Collection method: clinical testing. Allele origin: germline. Affected: yes.
Comment: This variant is considered likely benign or benign based on one or more of the following criteria: it is a conservative change, it occurs at a poorly conserved position in the protein, it is predicted to be benign by multiple in silico algorithms, and/or has population frequency not consistent with disease.

Literature cited by the submitters: PubMed 17576681 (cited by Labcorp Genetics (formerly Invitae), Labcorp); PubMed 9536098 (cited by Labcorp Genetics (formerly Invitae), Labcorp).

NM_182961.4(SYNE1):c.24977-1718G>A

Gene: SYNE1 (spectrin repeat containing nuclear envelope protein 1; minus strand). Cytogenetic location: 6q25.2.
Variant type: single nucleotide variant.
Coding change: c.24977-1718G>A on transcript NM_182961.4 (MANE Select); 1718 bases into the intron before coding-DNA position 24977, G replaced by A.
Molecular consequence: intron variant.
Genome position (GRCh38, 1-based): chr6:152,145,483, C>T on the plus strand (G>A on the coding strand, the complement: SYNE1 is on the minus strand). VCF-style: chr6-152145483-C-T. GRCh37 (hg19) VCF-style: chr6-152466618-C-T.
Other names: c.24832+4G>A (NM_033071.5); c.1583-1718G>A (NM_001347701.2); c.1510+4G>A (NM_001347702.2).
Identifiers: ClinVar variation 514025 (VCV000514025.10), dbSNP rs370143116, ClinGen allele CA4053012.
Genomic context (GRCh38, chr6:152,145,483, plus strand): 5'-GCTAAGAGAGGAGGATTGCTATACAGGGGAGGGAGGGAGGCTGGCTCCGGCTTGTTGTGC[C>T]TACCGGAGGTATTTTTGATTGCATTTTCTGTGAGTTTTACATAGGCCTCAGGGCTTTCGG-3'